The following is an entry in ClinVar:

NM_001378454.1(ALMS1):c.3879_4163del (p.Ser1303_Pro1397del)

Gene: ALMS1 (ALMS1 centrosome and basal body associated protein; plus strand). Cytogenetic location: 2p13.1.
Variant type: Deletion.
Coding change: c.3879_4163del on transcript NM_001378454.1 (MANE Select); coding-DNA positions 3879 to 4163, 285 bases deleted.
Protein change: p.Ser1303_Pro1397del.
Genome position (GRCh38, 1-based): chr2:73,450,406-73,450,690, 285 bases deleted. GRCh37 (hg19): chr2:73,677,533-73,677,817.
Other names: c.3882_4166del, p.Ser1304_Pro1398del (NM_015120.4); c.3876_4160del285 (NM_015120.4).
Identifiers: ClinVar variation 3668810 (VCV003668810.2).

ClinVar aggregate classification (germline): Uncertain significance. Review status: criteria provided, multiple submitters, no conflicts (2 of 4 stars). 2 submissions from 2 submitters: Uncertain significance (2). Last evaluated 2025-11-13.

Conditions:
Alstrom syndrome (ALMS). Identifiers: Orphanet 64, MedGen C0268425, MONDO:0008763, OMIM 203800.
ALMS1-related disorder. Also called: ALMS1-related condition.

Submissions (2):

PreventionGenetics, part of Exact Sciences
Classification: Uncertain significance for ALMS1-related condition. Last evaluated: 2025-11-13. Review status: criteria provided, single submitter. Criteria: ACMG Guidelines, 2015. Collection method: clinical testing. Allele origin: germline.
Comment: The ALMS1 c.3876_4160del285 variant is predicted to result in an in-frame deletion (p.Ser1302_Pro1396del). To our knowledge, this deletion of 285 nucleotides within exon 8 has not been reported in the literature or public databases. The resulting deletion of 95 amino acids is located within a region enriched with tandem repeats (amino acids 540-2,201) in the ALMS1 protein, making it difficult to predict the effect of this deletion (Tsai et al. 2018. PubMed ID: 29720996, Figure 2A). At this time, the clinical significance of this variant is uncertain due to the absence of conclusive functional and genetic evidence.

Labcorp Genetics (formerly Invitae), Labcorp
Classification: Uncertain significance for Alstrom syndrome. Last evaluated: 2024-10-17. Review status: criteria provided, single submitter. Criteria: Invitae Variant Classification Sherloc (09022015). Collection method: clinical testing. Allele origin: germline.
Comment: This variant, c.3882_4166del, results in the deletion of 95 amino acid(s) of the ALMS1 protein (p.Ser1304_Pro1398del), but otherwise preserves the integrity of the reading frame. This variant is not present in population databases (gnomAD no frequency). This variant has not been reported in the literature in individuals affected with ALMS1-related conditions. Experimental studies and prediction algorithms are not available or were not evaluated, and the functional significance of this variant is currently unknown. In summary, the available evidence is currently insufficient to determine the role of this variant in disease. Therefore, it has been classified as a Variant of Uncertain Significance.